The following is an entry in ClinVar:

ClinVar aggregate classification (germline): Uncertain significance. Review status: criteria provided, multiple submitters, no conflicts (2 of 4 stars). 4 submissions from 4 submitters: Uncertain significance (4). Last evaluated 2026-01-14.

Conditions:
DMXL2-related disorder. Also called: DMXL2-related condition.
Nonsyndromic genetic hearing loss. Also called: Nonsyndromic hearing loss and deafness; Non-syndromic genetic deafness; Nonsyndromic genetic deafness. Identifiers: Orphanet 87884, MedGen C5680182, MONDO:0019497.

Allele frequency attached by ClinVar (database versions not stated): gnomAD 0.00001; TOPMed 0.00004; gnomAD exomes 0.00005 and 0.00006; ExAC 0.00007.
gnomAD v4.1: 75 of 1,614,040 alleles (0.0046%); highest among the groups gnomAD compares: Non-Finnish European, 0.0059%; 1 homozygote.

Submissions (4):

Labcorp Genetics (formerly Invitae), Labcorp
Classification: Uncertain significance. Last evaluated: 2026-01-14. Review status: criteria provided, single submitter. Criteria: Invitae Variant Classification Sherloc (09022015). Collection method: clinical testing. Allele origin: germline.
Comment: This sequence change replaces isoleucine, which is neutral and non-polar, with valine, which is neutral and non-polar, at codon 2573 of the DMXL2 protein (p.Ile2573Val). This variant is present in population databases (rs202154593, gnomAD 0.009%). This variant has not been reported in the literature in individuals affected with DMXL2-related conditions. ClinVar contains an entry for this variant (Variation ID: 1355467). An algorithm developed to predict the effect of missense changes on protein structure and function outputs the following: PolyPhen-2: "Benign". The valine amino acid residue is found in multiple mammalian species, which suggests that this missense change does not adversely affect protein function. In summary, the available evidence is currently insufficient to determine the role of this variant in disease. Therefore, it has been classified as a Variant of Uncertain Significance.

PreventionGenetics, part of Exact Sciences
Classification: Uncertain significance for DMXL2-related condition. Last evaluated: 2025-12-31. Review status: criteria provided, single submitter. Criteria: ACMG Guidelines, 2015. Collection method: clinical testing. Allele origin: germline.
Comment: The DMXL2 c.7717A>G variant is predicted to result in the amino acid substitution p.Ile2573Val. This variant was reported in an individual with hypothalamic amenorrhoea (Delaney et al. 2021. PubMed ID: 32870266). This variant is reported in 0.012% of alleles in individuals of European (Non-Finnish) descent in gnomAD, including one homozygote in the larger gnomAD v4.1.0 database. Although we suspect that this variant may be benign, at this time, the clinical significance of this variant is uncertain due to the absence of conclusive functional and genetic evidence.

Blueprint Genetics
Classification: Uncertain significance. Last evaluated: 2024-09-12. Review status: criteria provided, single submitter. Criteria: ACMG Guidelines, 2015. Collection method: clinical testing. Allele origin: germline.

Department of Pathology and Laboratory Medicine, Sinai Health System
Classification: Uncertain significance for nonsyndromic genetic hearing loss. Last evaluated: 2021-12-20. Review status: criteria provided, single submitter. Criteria: ACMG Guidelines, 2015. Collection method: research. Allele origin: germline.

NM_001378457.1(DMXL2):c.7717A>G (p.Ile2573Val)

Gene: DMXL2 (Dmx like 2; minus strand). Cytogenetic location: 15q21.2.
Variant type: single nucleotide variant.
Coding change: c.7717A>G on transcript NM_001378457.1 (MANE Select); coding-DNA position 7717, A replaced by G.
Protein change: p.Ile2573Val; replaces isoleucine 2573 with valine.
Molecular consequence: missense variant. On other transcripts: non-coding transcript variant (1), intron variant (2).
Genome position (GRCh38, 1-based): chr15:51,464,766, T>C on the plus strand (A>G on the coding strand, the complement: DMXL2 is on the minus strand). VCF-style: chr15-51464766-T-C. GRCh37 (hg19) VCF-style: chr15-51756963-T-C.
Other names: c.7717A>G, p.Ile2573Val (NM_001174116.3, NM_001378461.1); c.5806A>G, p.Ile1936Val (NM_001174117.3); c.7714A>G, p.Ile2572Val (NM_001378458.1, NM_001378462.1, NM_015263.5); c.5695A>G, p.Ile1899Val (NM_001378460.1); c.7474A>G, p.Ile2492Val (NM_001378464.1); c.7521-1270A>G (NM_001378459.1); c.7606+800A>G (NM_001378463.1); c.7717A>G (NM_001174116.1); short protein forms I2573V, I2572V, I1899V, I1936V, I2492V.
Identifiers: ClinVar variation 1355467 (VCV001355467.7), dbSNP rs202154593, ClinGen allele CA7561245.